The following is an entry in ClinVar:

NM_000152.5(GAA):c.1926C>T (p.Val642=)

Gene: GAA (alpha glucosidase; plus strand). Cytogenetic location: 17q25.3.
Variant type: single nucleotide variant.
Coding change: c.1926C>T on transcript NM_000152.5 (MANE Select); coding-DNA position 1926, C replaced by T.
Protein change: p.Val642=; no amino-acid change (valine 642 retained).
Molecular consequence: synonymous variant.
Genome position (GRCh38, 1-based): chr17:80,112,913, C>T. VCF-style: chr17-80112913-C-T. GRCh37 (hg19) VCF-style: chr17-78086712-C-T.
Other names: p.Val642=; c.1926C>T, p.Val642= (NM_001079803.3, NM_001079804.3).
Identifiers: ClinVar variation 1125589 (VCV001125589.12), dbSNP rs1346499760, ClinGen allele CA502402796.

ClinVar aggregate classification (germline): Likely benign. Review status: criteria provided, multiple submitters, no conflicts (2 of 4 stars). 3 submissions from 3 submitters: Likely benign (3). Last evaluated 2026-01-16.

Conditions:
Glycogen storage disease, type II (IOPD). Also called: Glucosidase acid-1,4-alpha deficiency; CARDIOMEGALIA GLYCOGENICA DIFFUSA; GLYCOGENOSIS, GENERALIZED, CARDIAC FORM; GSD II; Glycogen storage disease type 2; Acid maltase deficiency disease. Identifiers: Orphanet 365, MedGen C0017921, MONDO:0009290, OMIM 232300.
Cardiovascular phenotype. Identifiers: MedGen CN230736.

Allele frequency attached by ClinVar (database versions not stated): TOPMed below 0.00001; gnomAD 0.00001 and 0.00002; gnomAD exomes 0.00001.
gnomAD v4.1: 15 of 1,610,282 alleles (0.00093%); highest among the groups gnomAD compares: Middle Eastern, 0.016%; 1 homozygote.

Submissions (3):

Labcorp Genetics (formerly Invitae), Labcorp
Classification: Likely benign for Glycogen storage disease, type II. Last evaluated: 2026-01-16. Review status: criteria provided, single submitter. Criteria: Invitae Variant Classification Sherloc (09022015). Collection method: clinical testing. Allele origin: germline.

Mayo Clinic Laboratories, Mayo Clinic
Classification: Likely benign. Last evaluated: 2025-09-08. Review status: criteria provided, single submitter. Criteria: ACMG Guidelines, 2015. Collection method: clinical testing. Allele origin: germline. Observed: 1 variant allele.
Comment: BP4, BP7

Ambry Genetics
Classification: Likely benign for Cardiovascular phenotype. Last evaluated: 2020-07-09. Review status: criteria provided, single submitter. Criteria: Ambry Variant Classification Scheme 2023. Collection method: clinical testing. Allele origin: germline.